The following is an entry in ClinVar:

NM_000143.4(FH):c.71_83del (p.Ser24fs)

Gene: FH (fumarate hydratase; minus strand). Cytogenetic location: 1q43.
Variant type: Deletion.
Coding change: c.71_83del on transcript NM_000143.4 (MANE Select); coding-DNA positions 71 to 83, 13 bases deleted (CGGCTCCCGGCTT).
Protein change: p.Ser24fs; shifts the reading frame from serine 24.
Molecular consequence: frameshift variant.
Genome position (GRCh38, 1-based): chr1:241,519,640-241,519,652, AAGCCGGGAGCCG deleted on the plus strand (CGGCTCCCGGCTT on the coding strand, the reverse complement: FH is on the minus strand); deleting any 13 consecutive bases within chr1:241,519,640-241,519,656 gives the same sequence; the c. name uses the placement nearest the transcript's 3' end. VCF-style (leftmost placement, unchanged base first): chr1-241519639-CAAGCCGGGAGCCG-C. GRCh37 (hg19) VCF-style: chr1-241682939-CAAGCCGGGAGCCG-C.
Other names: c.71_83del13 (NM_000143.3); short protein forms S24fs.
Identifiers: ClinVar variation 4257339 (VCV004257339.1).

ClinVar aggregate classification (germline): Uncertain significance (1 of 4 stars; one submission).

Conditions:
Hereditary cancer-predisposing syndrome. Also called: Hereditary Cancer Syndrome; Hereditary neoplastic syndrome; Neoplastic Syndromes, Hereditary; Tumor predisposition. Identifiers: Orphanet 140162, MedGen C0027672, MeSH D009386, MONDO:0015356.

Submission:

Ambry Genetics
Classification: Uncertain significance for Hereditary cancer-predisposing syndrome. Last evaluated: 2025-07-01. Review status: criteria provided, single submitter. Criteria: Ambry Variant Classification Scheme 2023. Collection method: clinical testing. Allele origin: germline.
Comment: The c.71_83del13 variant, located in coding exon 1 of the FH gene, results from a deletion of 13 nucleotides at nucleotide positions 71 to 83, causing a translational frameshift with a predicted alternate stop codon (p.S24Wfs*25). The predicted stop codon occurs in the 5&rsquo; end of theFH gene. Premature termination codons in the 5&rsquo; end of a gene have been reported to escape nonsense-mediated mRNAdecay and/or lead to re-initiation (Rivas et al. Science. 2015 May 8;348(6235):666-9; Lindeboom et al. Nat Genet. 2016 Oct;48(10):1112-8; Rhee et al. Sci Rep. 2017 May 10;7(1):1653). The exact functional effect of this alteration is unknown. Based on the available evidence, the clinical significance of this variant remains unclear.